The following is an entry in ClinVar:

ClinVar aggregate classification (germline): Likely benign (1 of 4 stars; one submission).

Allele frequency attached by ClinVar (database versions not stated): ExAC 0.00002; gnomAD exomes 0.00003; gnomAD 0.00005; TOPMed 0.00005.
gnomAD v4.1: 46 of 1,543,118 alleles (0.003%); highest among the groups gnomAD compares: Non-Finnish European, 0.004%; no homozygotes.

Submission:

CeGaT Center for Human Genetics Tuebingen
Classification: Likely benign. Last evaluated: 2022-10-01. Review status: criteria provided, single submitter. Criteria: CeGaT Center For Human Genetics Tuebingen Variant Classification Criteria Version 2. Collection method: clinical testing. Allele origin: germline. Affected: yes. Observed: 1 variant allele.
Comment: KCNT2: BP4, BP7

NM_198503.5(KCNT2):c.378T>C (p.Ser126=)

Gene: KCNT2 (potassium sodium-activated channel subfamily T member 2; minus strand). Cytogenetic location: 1q31.3.
Variant type: single nucleotide variant.
Coding change: c.378T>C on transcript NM_198503.5 (MANE Select); coding-DNA position 378, T replaced by C.
Protein change: p.Ser126=; no amino-acid change (serine 126 retained).
Molecular consequence: synonymous variant. On other transcripts: non-coding transcript variant (2).
Genome position (GRCh38, 1-based): chr1:196,479,185, A>G on the plus strand (T>C on the coding strand, the complement: KCNT2 is on the minus strand). VCF-style: chr1-196479185-A-G. GRCh37 (hg19) VCF-style: chr1-196448315-A-G.
Other names: c.378T>C, p.Ser126= (NM_001287819.3, NM_001287820.3).
Identifiers: ClinVar variation 2639682 (VCV002639682.24), dbSNP rs745997919, ClinGen allele CA1304754.